The following is an entry in ClinVar:

NM_005585.5(SMAD6):c.437C>T (p.Ala146Val)

Gene: SMAD6 (SMAD family member 6; plus strand). Cytogenetic location: 15q22.31.
Variant type: single nucleotide variant.
Coding change: c.437C>T on transcript NM_005585.5 (MANE Select); coding-DNA position 437, C replaced by T.
Protein change: p.Ala146Val; replaces alanine 146 with valine.
Molecular consequence: missense variant. On other transcripts: non-coding transcript variant (1).
Genome position (GRCh38, 1-based): chr15:66,703,695, C>T. VCF-style: chr15-66703695-C-T. GRCh37 (hg19) VCF-style: chr15-66996033-C-T.
Other names: short protein forms A146V.
Identifiers: ClinVar variation 1740143 (VCV001740143.4), dbSNP rs1390570601, ClinGen allele CA392949555.
Genomic context (GRCh38, chr15:66,703,695, plus strand): 5'-GCTGTCTCTTTTCGGAGCGGGACGCCGCCGGCGCGCCCCGGGACGCCAGCGACCCCCTGG[C>T]CGGGGCGGCCCTGGAGCCGGCGGGCGGCGGGCGGAGTCGCGAAGCGCGCTCGCGGCTGCT-3'
Protein context (NP_005576.3, residues 136-156): GAPRDASDPL[Ala146Val]GAALEPAGGG

ClinVar aggregate classification (germline): Uncertain significance. Review status: criteria provided, multiple submitters, no conflicts (2 of 4 stars). 2 submissions from 2 submitters: Uncertain significance (2). Last evaluated 2025-11-26.

Conditions:
SMAD6-related disease. Also called: SMAD6-related disorder; SMAD6-related condition. Identifiers: MedGen CN381596, MONDO:0700324.
Inborn genetic diseases. Identifiers: MedGen C0950123, MeSH D030342.

gnomAD v4.1: 4 of 1,264,620 alleles (0.00032%); highest among the groups gnomAD compares: East Asian, 0.0034%; no homozygotes.

Submissions (2):

PreventionGenetics, part of Exact Sciences
Classification: Uncertain significance for SMAD6-related condition. Last evaluated: 2025-11-26. Review status: criteria provided, single submitter. Criteria: ACMG Guidelines, 2015. Collection method: clinical testing. Allele origin: germline.
Comment: The SMAD6 c.437C>T variant is predicted to result in the amino acid substitution p.Ala146Val. To our knowledge, this variant has not been reported in the literature or in a large population database (gnomAD), indicating it is rare. At this time, the clinical significance of this variant is uncertain due to the absence of conclusive functional and genetic evidence.

Ambry Genetics
Classification: Uncertain significance for Inborn genetic diseases. Last evaluated: 2024-10-22. Review status: criteria provided, single submitter. Criteria: Ambry Variant Classification Scheme 2023. Collection method: clinical testing. Allele origin: germline.
Comment: The p.A146V variant (also known as c.437C>T), located in coding exon 1 of the SMAD6 gene, results from a C to T substitution at nucleotide position 437. The alanine at codon 146 is replaced by valine, an amino acid with similar properties. This amino acid position is conserved. In addition, this alteration is predicted to be tolerated by in silico analysis. Since supporting evidence is limited at this time, the clinical significance of this alteration remains unclear.